The following is an entry in ClinVar:

ClinVar aggregate classification (germline): Uncertain significance (1 of 4 stars; one submission).

Submission:

GeneDx
Classification: Uncertain significance. Last evaluated: 2022-05-03. Review status: criteria provided, single submitter. Criteria: GeneDx Variant Classification Process June 2021. Collection method: clinical testing. Allele origin: germline. Affected: yes.
Comment: Not observed at significant frequency in large population cohorts (gnomAD); In silico analysis supports that this missense variant has a deleterious effect on protein structure/function; Has not been previously published as pathogenic or benign to our knowledge

NM_003128.3(SPTBN1):c.4721G>C (p.Trp1574Ser)

Gene: SPTBN1 (spectrin beta, non-erythrocytic 1; plus strand). Cytogenetic location: 2p16.2.
Variant type: single nucleotide variant.
Coding change: c.4721G>C on transcript NM_003128.3 (MANE Select); coding-DNA position 4721, G replaced by C.
Protein change: p.Trp1574Ser; replaces tryptophan 1574 with serine.
Molecular consequence: missense variant.
Genome position (GRCh38, 1-based): chr2:54,646,330, G>C. VCF-style: chr2-54646330-G-C. GRCh37 (hg19) VCF-style: chr2-54873467-G-C.
Other names: c.4682G>C, p.Trp1561Ser (NM_178313.3); short protein forms W1561S, W1574S.
Identifiers: ClinVar variation 1723028 (VCV001723028.2), dbSNP rs2549557489, ClinGen allele CA346903314.